The following is an entry in ClinVar:

ClinVar aggregate classification (germline): Uncertain significance. Review status: criteria provided, multiple submitters, no conflicts (2 of 4 stars). 2 submissions from 2 submitters: Uncertain significance (2). Last evaluated 2025-04-09.

Conditions:
Inborn genetic diseases. Identifiers: MedGen C0950123, MeSH D030342.
MHC class I deficiency. Identifiers: Orphanet 34592, MedGen C6024714, MONDO:0011476.

Allele frequency attached by ClinVar (database versions not stated): gnomAD exomes 0.00001 and 0.00002; gnomAD 0.00006 and 0.00007; ExAC 0.00002; TOPMed 0.00012.
gnomAD v4.1: 21 of 1,612,996 alleles (0.0013%); highest among the groups gnomAD compares: African/African-American, 0.024%; no homozygotes.

Submissions (2):

Ambry Genetics
Classification: Uncertain significance for Inborn genetic diseases. Last evaluated: 2025-04-09. Review status: criteria provided, single submitter. Criteria: Ambry Variant Classification Scheme 2023. Collection method: clinical testing. Allele origin: germline.

Labcorp Genetics (formerly Invitae), Labcorp
Classification: Uncertain significance for MHC class I deficiency 1. Last evaluated: 2022-08-23. Review status: criteria provided, single submitter. Criteria: Invitae Variant Classification Sherloc (09022015). Collection method: clinical testing. Allele origin: germline.
Comment: This sequence change replaces glutamine, which is neutral and polar, with arginine, which is basic and polar, at codon 590 of the TAP2 protein (p.Gln590Arg). This variant is present in population databases (rs762266476, gnomAD 0.02%). This variant has not been reported in the literature in individuals affected with TAP2-related conditions. ClinVar contains an entry for this variant (Variation ID: 664292). Algorithms developed to predict the effect of missense changes on protein structure and function are either unavailable or do not agree on the potential impact of this missense change (SIFT: "Tolerated"; PolyPhen-2: "Not Available"; Align-GVGD: "Class C0"). In summary, the available evidence is currently insufficient to determine the role of this variant in disease. Therefore, it has been classified as a Variant of Uncertain Significance.

NM_001290043.2(TAP2):c.1769A>G (p.Gln590Arg)

Gene: TAP2 (transporter 2, ATP binding cassette subfamily B member; minus strand). Cytogenetic location: 6p21.32.
Variant type: single nucleotide variant.
Coding change: c.1769A>G on transcript NM_001290043.2 (MANE Select); coding-DNA position 1769, A replaced by G.
Protein change: p.Gln590Arg; replaces glutamine 590 with arginine.
Molecular consequence: missense variant.
Genome position (GRCh38, 1-based): chr6:32,829,956, T>C on the plus strand (A>G on the coding strand, the complement: TAP2 is on the minus strand). VCF-style: chr6-32829956-T-C. GRCh37 (hg19) VCF-style: chr6-32797733-T-C.
Other names: c.1769A>G, p.Gln590Arg (NM_000544.3, NM_018833.3); short protein forms Q590R.
Identifiers: ClinVar variation 664292 (VCV000664292.9), dbSNP rs762266476, ClinGen allele CA3745805.